The following is an entry in ClinVar:

NM_003072.5(SMARCA4):c.3547-5C>T

Gene: SMARCA4 (SWI/SNF related BAF chromatin remodeling complex subunit ATPase 4; plus strand). Cytogenetic location: 19p13.2.
Variant type: single nucleotide variant.
Coding change: c.3547-5C>T on transcript NM_003072.5 (MANE Select); 5 bases into the intron before coding-DNA position 3547, C replaced by T.
Molecular consequence: intron variant.
Genome position (GRCh38, 1-based): chr19:11,033,285, C>T. VCF-style: chr19-11033285-C-T. GRCh37 (hg19) VCF-style: chr19-11143961-C-T.
Other names: c.3547-5C>T (NM_001128844.3, NM_001128849.3, NM_001128847.4 and 5 more transcripts).
Identifiers: ClinVar variation 1732526 (VCV001732526.7), dbSNP rs1448536540, ClinGen allele CA2580096267.

ClinVar aggregate classification (germline): Conflicting classifications of pathogenicity. Review status: criteria provided, conflicting classifications (1 of 4 stars). 3 submissions from 3 submitters: Uncertain significance (1); Likely benign (2). Last evaluated 2026-07-08.

Conditions:
Rhabdoid tumor predisposition syndrome 2 (RTPS2). Identifiers: Orphanet 231108, Orphanet 69077, MedGen C2750074, MONDO:0013224, OMIM 613325.
Hereditary cancer-predisposing syndrome. Also called: Hereditary neoplastic syndrome; Neoplastic Syndromes, Hereditary; Tumor predisposition; Hereditary Cancer Syndrome. Identifiers: Orphanet 140162, MedGen C0027672, MeSH D009386, MONDO:0015356.

Submissions (3):

Myriad Genetics, Inc.
Classification: Likely benign for Rhabdoid tumor predisposition syndrome 2. Last evaluated: 2026-07-08. Review status: criteria provided, single submitter. Criteria: Myriad Autosomal Dominant, Autosomal Recessive and X-Linked Classification Criteria (2023). Collection method: clinical testing. Allele origin: unknown.
Comment: This variant is considered likely benign. This variant is intronic and is not expected to impact mRNA splicing.

Ambry Genetics
Classification: Uncertain significance for Hereditary cancer-predisposing syndrome. Last evaluated: 2026-02-17. Review status: criteria provided, single submitter. Criteria: Ambry Variant Classification Scheme 2023. Collection method: clinical testing. Allele origin: germline.
Comment: The c.3547-5C>T intronic variant results from a C to T substitution 5 nucleotides upstream from coding exon 25 in the SMARCA4 gene. This nucleotide position is not well conserved in available vertebrate species. In silico splice site analysis predicts that this alteration will not have any significant effect on splicing. Based on the available evidence, the clinical significance of this variant remains unclear.

Labcorp Genetics (formerly Invitae), Labcorp
Classification: Likely benign for Rhabdoid tumor predisposition syndrome 2. Last evaluated: 2023-02-14. Review status: criteria provided, single submitter. Criteria: Invitae Variant Classification Sherloc (09022015). Collection method: clinical testing. Allele origin: germline.